The following is an entry in ClinVar:

NM_000138.5(FBN1):c.2737G>T (p.Glu913Ter)

Gene: FBN1 (fibrillin 1; minus strand). Cytogenetic location: 15q21.1.
Variant type: single nucleotide variant.
Coding change: c.2737G>T on transcript NM_000138.5 (MANE Select); coding-DNA position 2737, G replaced by T.
Protein change: p.Glu913Ter; replaces glutamic acid 913 with a stop codon.
Molecular consequence: nonsense.
Genome position (GRCh38, 1-based): chr15:48,492,578, C>A on the plus strand (G>T on the coding strand, the complement: FBN1 is on the minus strand). VCF-style: chr15-48492578-C-A. GRCh37 (hg19) VCF-style: chr15-48784775-C-A.
Other names: short protein forms E913*.
Identifiers: ClinVar variation 549108 (VCV000549108.8), dbSNP rs1555398996, ClinGen allele CA392330890.

ClinVar aggregate classification (germline): Pathogenic. Review status: criteria provided, single submitter (1 of 4 stars). 2 submissions from 2 submitters: Pathogenic (1). 1 of the submissions does not count toward it. Last evaluated 2025-10-22.

Conditions:
Familial thoracic aortic aneurysm and aortic dissection (TAAD). Also called: Thoracic aortic aneurysms and dissections. Identifiers: Orphanet 91387, MedGen C4707243, MONDO:0019625.
Marfan syndrome (MFS). Also called: Marfan syndrome type 1; Marfan syndrome, classic; Marfan's syndrome; FBN1-Related Marfan Syndrome; MARFAN SYNDROME, TYPE I. Identifiers: Orphanet 284963, Orphanet 558, MedGen C0024796, MONDO:0007947, OMIM 154700.

Submissions (2):

Labcorp Genetics (formerly Invitae), Labcorp
Classification: Pathogenic for Marfan syndrome; Familial thoracic aortic aneurysm and aortic dissection. Last evaluated: 2025-10-22. Review status: criteria provided, single submitter. Criteria: Invitae Variant Classification Sherloc (09022015). Collection method: clinical testing. Allele origin: germline.
Comment: This sequence change creates a premature translational stop signal (p.Glu913*) in the FBN1 gene. It is expected to result in an absent or disrupted protein product. Loss-of-function variants in FBN1 are known to be pathogenic (PMID: 17657824, 19293843). This variant is not present in population databases (gnomAD no frequency). This variant has not been reported in the literature in individuals affected with FBN1-related conditions. ClinVar contains an entry for this variant (Variation ID: 549108). For these reasons, this variant has been classified as Pathogenic.

Center for Medical Genetics Ghent, University of Ghent
Classification: Pathogenic for Marfan syndrome. Last evaluated: 2017-11-07. Review status: no assertion criteria provided. Collection method: clinical testing. Allele origin: germline. Affected: yes. Not counted in ClinVar's aggregate classification.

Literature cited by the submitters: PubMed 17657824 (cited by Labcorp Genetics (formerly Invitae), Labcorp); PubMed 19293843 (cited by Labcorp Genetics (formerly Invitae), Labcorp).